The following is an entry in ClinVar:

NM_018344.6(SLC29A3):c.821A>G (p.Glu274Gly)

Gene: SLC29A3 (solute carrier family 29 member 3; plus strand). Cytogenetic location: 10q22.1.
Variant type: single nucleotide variant.
Coding change: c.821A>G on transcript NM_018344.6 (MANE Select); coding-DNA position 821, A replaced by G.
Protein change: p.Glu274Gly; replaces glutamic acid 274 with glycine.
Molecular consequence: missense variant. On other transcripts: 3 prime UTR variant (1), non-coding transcript variant (2).
Genome position (GRCh38, 1-based): chr10:71,362,001, A>G. VCF-style: chr10-71362001-A-G. GRCh37 (hg19) VCF-style: chr10-73121758-A-G.
Other names: c.*50A>G (NM_001174098.2); c.587A>G, p.Glu196Gly (NM_001363518.2); short protein forms E196G, E274G.
Identifiers: ClinVar variation 1514592 (VCV001514592.7), dbSNP rs1847067185, ClinGen allele CA377113993.

ClinVar aggregate classification (germline): Uncertain significance (1 of 4 stars; one submission).

Conditions:
H syndrome. Also called: Asrar Facharzt Haque syndrome; Histiocytosis with joint contractures and sensorineural deafness; Pigmented hypertrichosis and insulin-dependent diabetes mellitus; FAISALABAD HISTIOCYTOSIS; HISTIOCYTOSIS AND LYMPHADENOPATHY WITH OR WITHOUT CUTANEOUS, CARDIAC, AND/OR ENDOCRINE FEATURES, JOINT CONTRACTURES, AND/OR DEAFNESS; HYPERPIGMENTATION, CUTANEOUS, WITH HYPERTRICHOSIS, HEPATOSPLENOMEGALY, HEART ANOMALIES, AND HYPOGONADISM WITH OR WITHOUT HEARING LOSS. Identifiers: Orphanet 168569, MedGen C1864445, MONDO:0011273, OMIM 602782.

Allele frequency attached by ClinVar (database versions not stated): gnomAD exomes below 0.00001; TOPMed 0.00001.
gnomAD v4.1: 3 of 1,614,096 alleles (0.00019%); highest among the groups gnomAD compares: Non-Finnish European, 0.00025%; no homozygotes.

Submission:

Labcorp Genetics (formerly Invitae), Labcorp
Classification: Uncertain significance for H syndrome. Last evaluated: 2021-07-22. Review status: criteria provided, single submitter. Criteria: Invitae Variant Classification Sherloc (09022015). Collection method: clinical testing. Allele origin: germline.
Comment: This sequence change replaces glutamic acid with glycine at codon 274 of the SLC29A3 protein (p.Glu274Gly). The glutamic acid residue is weakly conserved and there is a moderate physicochemical difference between glutamic acid and glycine. This variant is not present in population databases (ExAC no frequency). This variant has not been reported in the literature in individuals with SLC29A3-related conditions. Algorithms developed to predict the effect of missense changes on protein structure and function (SIFT, PolyPhen-2, Align-GVGD) all suggest that this variant is likely to be tolerated, but these predictions have not been confirmed by published functional studies and their clinical significance is uncertain. In summary, the available evidence is currently insufficient to determine the role of this variant in disease. Therefore, it has been classified as a Variant of Uncertain Significance.